The following is an entry in ClinVar:

ClinVar aggregate classification (germline): Conflicting classifications of pathogenicity. Review status: criteria provided, conflicting classifications (1 of 4 stars). 13 submissions from 12 submitters: Uncertain significance (5); Likely benign (5). 3 of the submissions do not count toward it. Last evaluated 2026-01-20.

Conditions:
BRCA2-related disorder. Also called: BRCA2-related condition; BRCA2-related disorders. Identifiers: MedGen CN239275.
Breast and/or ovarian cancer. Identifiers: MedGen CN221562.
Hereditary cancer-predisposing syndrome. Also called: Neoplastic Syndromes, Hereditary; Hereditary Cancer Syndrome; Hereditary neoplastic syndrome; Tumor predisposition. Identifiers: Orphanet 140162, MedGen C0027672, MeSH D009386, MONDO:0015356.
Hereditary breast ovarian cancer syndrome. Also called: Hereditary breast and ovarian cancer syndrome; Hereditary breast and/or ovarian cancer syndrome; BRCA1- and BRCA2-Associated Hereditary Breast and Ovarian Cancer; Hereditary breast and ovarian cancer; Breast and ovarian cancer; Hereditary breast and ovarian cancer syndrome (HBOC). Identifiers: Orphanet 145, MedGen C0677776, MeSH D061325, MONDO:0003582. Disease mechanism: loss of function.
Fanconi anemia complementation group D1. Also called: BRCA2-Related Fanconi Anemia. Identifiers: Orphanet 319462, MedGen C1838457, MONDO:0011584, OMIM 605724.
Breast-ovarian cancer, familial, susceptibility to, 2 (BROVCA2). Also called: BRCA2 Hereditary Breast and Ovarian Cancer. Identifiers: Orphanet 145, MedGen C2675520, MONDO:0012933, OMIM 612555. Disease mechanism: loss of function.
Malignant tumor of breast. Also called: Malignant breast neoplasm; Cancer breast. Identifiers: MedGen C0006142, MONDO:0007254. Disease mechanism: loss of function.

Allele frequency attached by ClinVar (database versions not stated): ExAC 0.00001; gnomAD 0.00001; gnomAD exomes 0.00001 and 0.00002; TOPMed 0.00001; ESP Exome Variant Server 0.00008.
gnomAD v4.1: 28 of 1,614,010 alleles (0.0017%); highest among the groups gnomAD compares: Non-Finnish European, 0.0024%; no homozygotes.

Submissions (13):

Labcorp Genetics (formerly Invitae), Labcorp
Classification: Likely benign for Hereditary breast ovarian cancer syndrome. Last evaluated: 2026-01-20. Review status: criteria provided, single submitter. Criteria: Invitae Variant Classification Sherloc (09022015). Collection method: clinical testing. Allele origin: germline.

Quest Diagnostics Nichols Institute San Juan Capistrano
Classification: Uncertain significance. Last evaluated: 2025-01-28. Review status: criteria provided, single submitter. Criteria: Quest Diagnostics criteria. Collection method: clinical testing. Allele origin: unknown.
Comment: The BRCA2 c.1144A>C (p.Lys382Gln) variant has been reported in the published literature in an individual with ovarian cancer (PMID: 34326862 (2021)), as well as in an individual with breast cancer (PMID: 33471991 (2021), see also LOVD). This variant has also been reported to have a low clinical significance in a large multifactorial analysis study (PMID: 31131967 (2019)), and is described to be located in a region of the BRCA2 gene that is tolerant to missense sequence changes (PMID: 31911673 (2020)). The frequency of this variant in the general population (Genome Aggregation Database) is uninformative in the assessment of its pathogenicity. Analysis of this variant using bioinformatics tools for the prediction of the effect of amino acid changes on protein structure and function yielded predictions that this variant is benign. Based on the available information, we are unable to determine the clinical significance of this variant.

University of Washington Department of Laboratory Medicine, University of Washington
Classification: Likely benign for Hereditary cancer-predisposing syndrome. Last evaluated: 2023-03-23. Review status: criteria provided, single submitter. Criteria: Dines et al. (Genet Med. 2020). Collection method: curation. Allele origin: germline.
Comment: Missense variant in a coldspot region where missense variants are very unlikely to be pathogenic (PMID:31911673).

BRCA2 exon 10 coldspot. Reclassification based on statistical prior probability.

ARUP Laboratories, Molecular Genetics and Genomics, ARUP Laboratories
Classification: Uncertain significance. Last evaluated: 2022-01-12. Review status: criteria provided, single submitter. Criteria: ARUP Molecular Germline Variant Investigation Process 2021. Collection method: clinical testing. Allele origin: germline.
Comment: The BRCA2 c.1144A>C; p.Lys382Gln variant (rs371454630), to our knowledge, is not reported in the medical literature but is reported in ClinVar (Variation ID: 141867). This variant is only observed on three alleles in the Genome Aggregation Database, indicating it is not a common polymorphism. The lysine at codon 382 is weakly conserved, and computational analyses are uncertain whether this variant is neutral or deleterious (REVEL: 0.237). Due to limited information, the clinical significance of this variant is uncertain at this time.

Ambry Genetics
Classification: Likely benign for Hereditary cancer-predisposing syndrome. Last evaluated: 2018-09-21. Review status: criteria provided, single submitter. Criteria: Ambry Variant Classification Scheme 2023. Collection method: clinical testing. Allele origin: germline.

CHEO Genetics Diagnostic Laboratory, Children's Hospital of Eastern Ontario
Classification: Uncertain significance for Breast and/or ovarian cancer. Last evaluated: 2018-03-07. Review status: criteria provided, single submitter. Criteria: ACMG Guidelines, 2015. Collection method: clinical testing. Allele origin: germline.

Illumina Laboratory Services, Illumina
Classification: Uncertain significance for Breast-ovarian cancer, familial, susceptibility to, 2. Last evaluated: 2018-01-13. Review status: criteria provided, single submitter. Criteria: ICSL Variant Classification Criteria 13 December 2019. Collection method: clinical testing. Allele origin: germline.

Illumina Laboratory Services, Illumina
Classification: Uncertain significance for Fanconi anemia complementation group D1. Last evaluated: 2018-01-13. Review status: criteria provided, single submitter. Criteria: ICSL Variant Classification Criteria 13 December 2019. Collection method: clinical testing. Allele origin: germline.

Color Diagnostics, LLC DBA Color Health
Classification: Likely benign for Hereditary cancer-predisposing syndrome. Last evaluated: 2017-03-27. Review status: criteria provided, single submitter. Criteria: ACMG Guidelines, 2015. Collection method: clinical testing. Allele origin: germline.

GeneDx
Classification: Likely benign. Last evaluated: 2017-03-13. Review status: criteria provided, single submitter. Criteria: GeneDx Variant Classification (06012015). Collection method: clinical testing. Allele origin: germline. Affected: yes.
Comment: This variant is considered likely benign or benign based on one or more of the following criteria: it is a conservative change, it occurs at a poorly conserved position in the protein, it is predicted to be benign by multiple in silico algorithms, and/or has population frequency not consistent with disease.

PreventionGenetics, part of Exact Sciences
Classification: Likely benign for BRCA2-related condition. Last evaluated: 2021-03-02. Review status: no assertion criteria provided. Collection method: clinical testing. Allele origin: germline. Not counted in ClinVar's aggregate classification.
Comment: This variant is classified as likely benign based on ACMG/AMP sequence variant interpretation guidelines (Richards et al. 2015 PMID: 25741868, with internal and published modifications).

Sharing Clinical Reports Project (SCRP)
Classification: Likely benign for Breast-ovarian cancer, familial 2. Last evaluated: 2014-04-03. Review status: no assertion criteria provided. Collection method: clinical testing. Allele origin: germline. Not counted in ClinVar's aggregate classification.

Department of Pathology and Laboratory Medicine, Sinai Health System
Classification: Uncertain significance for Malignant tumor of breast. Review status: no assertion criteria provided. Collection method: clinical testing. Allele origin: unknown. Affected: yes. Observed: 3 variant alleles. Study: The Canadian Open Genetics Repository (COGR). Not counted in ClinVar's aggregate classification.
Comment: The p.Lys382Gln variant was not identified in the literature nor previously reported by our laboratory. The p.Lys382 residue is not conserved in mammals (Aspartate is present in rat) or lower organisms increasing the likelihood that this variant does not have clinical significance. However, computational analyses (PolyPhen2, SIFT, AlignGVGD, BLOSUM) provide inconsistent predictions regarding the impact to the protein and this information is not very predictive of pathogenicity. This variant was identified 4 times in the UMD database and once as co-occuring with a second pathogenic variant increasing the likelihood this variant may not have clinical significance. In addition it was identified by the Exome Variant Server project in 1/8582 chromosomes, although this limited number of observations and low frequency is not substantive to determine the frequency in the general population. The variant was not identified in other databases (google search, HGMD, LOVD, COSMIC or BIC). In summary, based on the above information, the clinical significance of this variant cannot be determined with certainty at this time. The variant is classified as a variant of unknown significance.

Literature cited by the submitters: PubMed 31911673 (cited by Quest Diagnostics Nichols Institute San Juan Capistrano); PubMed 34326862 (cited by Quest Diagnostics Nichols Institute San Juan Capistrano); PubMed 33471991 (cited by Quest Diagnostics Nichols Institute San Juan Capistrano); PubMed 31131967 (cited by Quest Diagnostics Nichols Institute San Juan Capistrano).

NM_000059.4(BRCA2):c.1144A>C (p.Lys382Gln)

Gene: BRCA2 (BRCA2 DNA repair associated; plus strand). Cytogenetic location: 13q13.1.
Variant type: single nucleotide variant.
Coding change: c.1144A>C on transcript NM_000059.4 (MANE Select); coding-DNA position 1144, A replaced by C.
Protein change: p.Lys382Gln; replaces lysine 382 with glutamine.
Molecular consequence: missense variant.
Genome position (GRCh38, 1-based): chr13:32,332,622, A>C. VCF-style: chr13-32332622-A-C. GRCh37 (hg19) VCF-style: chr13-32906759-A-C.
Other names: 1372A>C; short protein forms K382Q.
Identifiers: ClinVar variation 141867 (VCV000141867.32), dbSNP rs371454630, ClinGen allele CA010932.